The following is an entry in ClinVar:

NM_001130438.3(SPTAN1):c.660C>T (p.His220=)

Gene: SPTAN1 (spectrin alpha, non-erythrocytic 1; plus strand). Cytogenetic location: 9q34.11.
Variant type: single nucleotide variant.
Coding change: c.660C>T on transcript NM_001130438.3 (MANE Select); coding-DNA position 660, C replaced by T.
Protein change: p.His220=; no amino-acid change (histidine 220 retained).
Molecular consequence: synonymous variant.
Genome position (GRCh38, 1-based): chr9:128,576,831, C>T. VCF-style: chr9-128576831-C-T. GRCh37 (hg19) VCF-style: chr9-131339110-C-T.
Other names: c.660C>T, p.His220= (NM_001195532.2, NM_001363759.2, NM_001363765.2 and 10 more transcripts); c.696C>T, p.His232= (NM_001375312.2, NM_001375318.1, NM_001438440.1).
Identifiers: ClinVar variation 4996523 (VCV004996523.1).

ClinVar aggregate classification (germline): Likely benign (1 of 4 stars; one submission).

Conditions:
SPTAN1-related disorder. Also called: SPTAN1-related disorders; SPTAN1-related condition.

Submission:

PreventionGenetics, part of Exact Sciences
Classification: Likely benign for SPTAN1-related condition. Last evaluated: 2026-08-05. Review status: criteria provided, single submitter. Criteria: ACMG Guidelines, 2015. Collection method: clinical testing. Allele origin: germline.
Comment: This variant is classified as likely benign based on ACMG/AMP sequence variant interpretation guidelines (Richards et al. 2015 PMID: 25741868, with internal and published modifications).